The following is an entry in ClinVar:

NM_031892.3(SH3KBP1):c.1258A>G (p.Arg420Gly)

Gene: SH3KBP1 (SH3 domain containing kinase binding protein 1; minus strand). Cytogenetic location: Xp22.12.
Variant type: single nucleotide variant.
Coding change: c.1258A>G on transcript NM_031892.3 (MANE Select); coding-DNA position 1258, A replaced by G.
Protein change: p.Arg420Gly; replaces arginine 420 with glycine.
Molecular consequence: missense variant.
Genome position (GRCh38, 1-based): chrX:19,588,683, T>C on the plus strand (A>G on the coding strand, the complement: SH3KBP1 is on the minus strand). VCF-style: chrX-19588683-T-C. GRCh37 (hg19) VCF-style: chrX-19606801-T-C.
Other names: c.1147A>G, p.Arg383Gly (NM_001024666.3); c.544A>G, p.Arg182Gly (NM_001184960.2, NM_001353897.2); c.1258A>G, p.Arg420Gly (NM_001353890.2); c.1333A>G, p.Arg445Gly (NM_001353891.2, NM_001353892.2); c.1156A>G, p.Arg386Gly (NM_001353893.2, NM_001353894.2); c.1213A>G, p.Arg405Gly (NM_001353895.2); short protein forms R420G, R182G, R383G, R405G, R445G, R386G.
Identifiers: ClinVar variation 100879 (VCV000100879.2), dbSNP rs483352756, ClinGen allele CA229185.

ClinVar aggregate classification (germline): Uncertain significance. Review status: no assertion criteria provided (0 of 4 stars). 2 submissions from 1 submitter: Uncertain significance (1). 1 of the submissions does not count toward it.

Submissions (2):

Richard Lifton Laboratory, Yale University School of Medicine
Classification: Uncertain significance. Review status: no assertion criteria provided. Collection method: not provided. Allele origin: somatic.
Comment: SH3KBP1:p.R420G
ClinVar note: Converted during submission from unknown to Uncertain significance.

Richard Lifton Laboratory, Yale University School of Medicine
Classification: Uncertain significance. Review status: flagged submission. Collection method: not provided. Allele origin: somatic. Not counted in ClinVar's aggregate classification.
ClinVar note: Converted during submission from unknown to Uncertain significance.
ClinVar note: Reason: This record appears to be redundant with a more recent record from the same submitter.
ClinVar note: Notes: SCV000120104 appears to be redundant with SCV000155208.